The following is an entry in ClinVar:

ClinVar aggregate classification (germline): Pathogenic/Likely pathogenic. Review status: criteria provided, multiple submitters, no conflicts (2 of 4 stars). 5 submissions from 3 submitters: Pathogenic (1); Likely pathogenic (4). Last evaluated 2023-04-11.

Conditions:
Cardiomyopathy, familial restrictive, 3. Identifiers: Orphanet 75249, MedGen C2676271, MONDO:0012900, OMIM 612422.
Dilated cardiomyopathy 1D. Identifiers: Orphanet 154, Orphanet 54260, MedGen C1832243, MONDO:0011095, OMIM 601494.
Hypertrophic cardiomyopathy 2. Also called: TNNT2-Related Familial Hypertrophic Cardiomyopathy. Identifiers: MedGen C1861864, MONDO:0007266, OMIM 115195.
Hypertrophic cardiomyopathy. Also called: HYPERTROPHIC MYOCARDIOPATHY. Identifiers: Orphanet 217569, MedGen C0007194, MeSH D002312, MONDO:0005045, HP:0001639.

Submissions (5):

Genome-Nilou Lab
Classification: Likely pathogenic for Dilated cardiomyopathy 1D. Last evaluated: 2023-04-11. Review status: criteria provided, single submitter. Criteria: ACMG Guidelines, 2015. Collection method: clinical testing. Allele origin: germline. Affected: no.

Genome-Nilou Lab
Classification: Likely pathogenic for Cardiomyopathy, familial restrictive, 3. Last evaluated: 2023-04-11. Review status: criteria provided, single submitter. Criteria: ACMG Guidelines, 2015. Collection method: clinical testing. Allele origin: germline. Affected: no.

Genome-Nilou Lab
Classification: Likely pathogenic for Hypertrophic cardiomyopathy 2. Last evaluated: 2023-04-11. Review status: criteria provided, single submitter. Criteria: ACMG Guidelines, 2015. Collection method: clinical testing. Allele origin: germline. Affected: no.

Laboratory for Molecular Medicine, Mass General Brigham Personalized Medicine
Classification: Likely pathogenic for Hypertrophic cardiomyopathy. Last evaluated: 2016-03-30. Review status: criteria provided, single submitter. Criteria: LMM Criteria. Collection method: clinical testing. Allele origin: germline. Inheritance: Autosomal dominant inheritance. Observed: 4 variant alleles.
Comment: The p.Gly82Arg variant in TNNT2 has been reported in 2 individuals with HCM, seg regated with disease in 4 individuals (including 2 obligate carriers)(Maron 2008 , Judge 2009), and was absent from large population studies. This variant was pr edicted to be pathogenic using a computational tool clinically validated by our laboratory. This tool's pathogenic prediction is estimated to be correct 94% of the time (Jordan 2011). In summary, although additional studies are required to fully establish its clinical significance, the p.Gly82Arg variant is likely path ogenic.

GeneDx
Classification: Pathogenic. Last evaluated: 2013-05-29. Review status: criteria provided, single submitter. Criteria: GeneDx Variant Classification (06012015). Collection method: clinical testing. Allele origin: germline. Affected: yes.
Comment: p.Gly82Arg (GGA>AGA): c.244 G>A in exon 8 of the TNNT2 gene (NM_001001430.1). The Gly82Arg mutation in the TNNT2 gene has been reported in one patient with HCM and left ventricular apical aneurysm (Maron M et al., 2008). Gly82Arg results in a non-conservative amino acid substitution of a non-polar Glycine with a positively charged Arginine at a position that is conserved across species. In silico analysis predicts Gly82Arg is probably damaging to the protein structure and function. Mutations in nearby residues (Ile79Asn, Pro80Ser, Glu83Lys, Glu83Asp, Val85Leu) have been reported in association with cardiomyopathy, further supporting the functional importance of this region of the protein. Furthermore, the Gly82Arg mutation was not observed in approximately 6,500 individuals of European and African American ancestry in the NHLBI Exome Sequencing Project, indicating it is not a common benign variant in these populations. Hereditary hypertrophic cardiomyopathy (HCM) is primarily an autosomal dominant disease characterized by myocardial hypertrophy in the absence of other cardiac or systemic causes. HCM is most frequently caused by mutations in genes coding for sarcomeric proteins in the cardiac muscle leading to myocyte disarray, a hallmark feature of HCM. Less commonly, ventricular hypertrophy is a presenting feature of genetic systemic disorders, such as Danon disease, Fabry disease, or mitochondrial cardiomyopathy. HCM has a variable clinical presentation; including palpitations, chest pain, heart failure, syncope, or sudden death, although some individuals may be asymptomatic (Marian A et al., 1995; Maron B, 2002). Mutations in the TNNT2 gene have been reported in 5-15% of patients with autosomal dominant familial hypertrophic cardiomyopathy, often characterized by minimal left ventricular hypertrophy (LVH) but a high incidence of sudden cardiac death (Moolman J et al., 1997; Cirino A et al., 2011). Mutations in TNNT2 have been reported less frequently in association with autosomal dominant familial dilated cardiomyopathy (Hershberger R et al., 2009). In summary, Gly82Arg in the TNNT2 gene is interpreted as a disease-causing mutation. The variant is found in HCM panel(s).

Literature cited by the submitters: PubMed 18809796 (cited by Laboratory for Molecular Medicine, Mass General Brigham Personalized Medicine); PubMed 19996403 (cited by Laboratory for Molecular Medicine, Mass General Brigham Personalized Medicine).

NM_001276345.2(TNNT2):c.274G>A (p.Gly92Arg)

Gene: TNNT2 (troponin T2, cardiac type; minus strand). Cytogenetic location: 1q32.1.
Variant type: single nucleotide variant.
Coding change: c.274G>A on transcript NM_001276345.2 (MANE Select); coding-DNA position 274, G replaced by A.
Protein change: p.Gly92Arg; replaces glycine 92 with arginine.
Molecular consequence: missense variant.
Genome position (GRCh38, 1-based): chr1:201,365,630, C>T on the plus strand (G>A on the coding strand, the complement: TNNT2 is on the minus strand). VCF-style: chr1-201365630-C-T. GRCh37 (hg19) VCF-style: chr1-201334758-C-T.
Other names: p.G82R:GGA>AGA; c.274G>A, p.Gly92Arg (NM_000364.4); c.244G>A, p.Gly82Arg (NM_001001430.3, NM_001001431.3, NM_001276347.2); c.229G>A, p.Gly77Arg (NM_001001432.3); c.271G>A, p.Gly91Arg (NM_001276346.2); short protein forms G82R, G92R, G77R, G91R.
Identifiers: ClinVar variation 177644 (VCV000177644.7), dbSNP rs727504255, ClinGen allele CA004195.